The following is an entry in ClinVar:

ClinVar aggregate classification (germline): Uncertain significance (1 of 4 stars; one submission).

Conditions:
Nemaline myopathy 2 (NEM2). Also called: Nemaline myopathy 2, autosomal recessive. Identifiers: MedGen C1850569, MONDO:0009725, OMIM 256030.

Allele frequency attached by ClinVar (database versions not stated): TOPMed below 0.00001; gnomAD 0.00001.
gnomAD v4.1: 1 of 1,612,196 alleles (0.000062%); highest among the groups gnomAD compares: Non-Finnish European, 0.000085%; no homozygotes.

Submission:

Labcorp Genetics (formerly Invitae), Labcorp
Classification: Uncertain significance for Nemaline myopathy 2. Last evaluated: 2020-08-20. Review status: criteria provided, single submitter. Criteria: Invitae Variant Classification Sherloc (09022015). Collection method: clinical testing. Allele origin: germline.
Comment: This sequence change replaces asparagine with threonine at codon 7469 of the NEB protein (p.Asn7469Thr). The asparagine residue is moderately conserved and there is a small physicochemical difference between asparagine and threonine. This variant is not present in population databases (ExAC no frequency). This variant has not been reported in the literature in individuals with NEB-related conditions. Algorithms developed to predict the effect of missense changes on protein structure and function are either unavailable or do not agree on the potential impact of this missense change (SIFT: "Deleterious"; PolyPhen-2: "Not Available"; Align-GVGD: "Class C0"). In summary, the available evidence is currently insufficient to determine the role of this variant in disease. Therefore, it has been classified as a Variant of Uncertain Significance.

NM_001164508.2(NEB):c.22301A>C (p.Asn7434Thr)

Genes: NEB (nebulin; minus strand), RIF1 (replication timing regulatory factor 1; plus strand). Cytogenetic location: 2q23.3.
Variant type: single nucleotide variant.
Coding change: c.22301A>C on transcript NM_001164508.2 (MANE Select); coding-DNA position 22301, A replaced by C.
Protein change: p.Asn7434Thr; replaces asparagine 7434 with threonine.
Molecular consequence: missense variant.
Genome position (GRCh38, 1-based): chr2:151,524,588, T>G on the plus strand (A>C on the coding strand, the complement: NEB is on the minus strand). VCF-style: chr2-151524588-T-G. GRCh37 (hg19) VCF-style: chr2-152381102-T-G.
Other names: c.22301A>C, p.Asn7434Thr (NM_001164507.2); c.22406A>C, p.Asn7469Thr (NM_001271208.2); c.17198A>C, p.Asn5733Thr (NM_004543.5); short protein forms N7434T, N7469T, N5733T.
Identifiers: ClinVar variation 1987870 (VCV001987870.1), dbSNP rs1322030981, ClinGen allele CA348765081.